The following is an entry in ClinVar:

ClinVar aggregate classification (germline): Uncertain significance (1 of 4 stars; one submission).

Conditions:
Colorectal cancer, hereditary nonpolyposis, type 7. Identifiers: Orphanet 144, MedGen C1858380, MONDO:0013725, OMIM 614385.

gnomAD v4.1: 1 of 1,614,126 alleles (0.000062%); highest among the groups gnomAD compares: Non-Finnish European, 0.000085%; no homozygotes.

Submission:

Labcorp Genetics (formerly Invitae), Labcorp
Classification: Uncertain significance for Colorectal cancer, hereditary nonpolyposis, type 7. Last evaluated: 2025-10-01. Review status: criteria provided, single submitter. Criteria: Invitae Variant Classification Sherloc (09022015). Collection method: clinical testing. Allele origin: germline.
Comment: This sequence change replaces glutamine, which is neutral and polar, with proline, which is neutral and non-polar, at codon 221 of the MLH3 protein (p.Gln221Pro). This variant is not present in population databases (gnomAD no frequency). This variant has not been reported in the literature in individuals affected with MLH3-related conditions. An algorithm developed to predict the effect of missense changes on protein structure and function (PolyPhen-2) suggests that this variant is likely to be disruptive. In summary, the available evidence is currently insufficient to determine the role of this variant in disease. Therefore, it has been classified as a Variant of Uncertain Significance.

NM_001040108.2(MLH3):c.662A>C (p.Gln221Pro)

Gene: MLH3 (mutL homolog 3; minus strand). Cytogenetic location: 14q24.3.
Variant type: single nucleotide variant.
Coding change: c.662A>C on transcript NM_001040108.2 (MANE Select); coding-DNA position 662, A replaced by C.
Protein change: p.Gln221Pro; replaces glutamine 221 with proline.
Molecular consequence: missense variant.
Genome position (GRCh38, 1-based): chr14:75,048,994, T>G on the plus strand (A>C on the coding strand, the complement: MLH3 is on the minus strand). VCF-style: chr14-75048994-T-G. GRCh37 (hg19) VCF-style: chr14-75515697-T-G.
Other names: c.662A>C, p.Gln221Pro (NM_014381.3); short protein forms Q221P.
Identifiers: ClinVar variation 4726514 (VCV004726514.1).